The following is an entry in ClinVar:

NM_000304.4(PMP22):c.*33G>A

Gene: PMP22 (peripheral myelin protein 22; minus strand). Cytogenetic location: 17p12.
Variant type: single nucleotide variant.
Coding change: c.*33G>A on transcript NM_000304.4 (MANE Select); 33 bases downstream of the stop codon, G replaced by A.
Molecular consequence: 3 prime UTR variant. On other transcripts: non-coding transcript variant (2).
Genome position (GRCh38, 1-based): chr17:15,230,884, C>T on the plus strand (G>A on the coding strand, the complement: PMP22 is on the minus strand). VCF-style: chr17-15230884-C-T. GRCh37 (hg19) VCF-style: chr17-15134201-C-T.
Other names: c.*33G>A (NM_001281455.2, NM_001281456.2, NM_153321.3 and 1 more transcripts).
Identifiers: ClinVar variation 1678766 (VCV001678766.3), dbSNP rs201128796, ClinGen allele CA8403280.

ClinVar aggregate classification (germline): Conflicting classifications of pathogenicity. Review status: criteria provided, conflicting classifications (1 of 4 stars). 2 submissions from 2 submitters: Likely pathogenic (1); Likely benign (1). Last evaluated 2021-10-24.

Conditions:
Tip-toe gait. Also called: Toe walking. Identifiers: MedGen C0427144, HP:0030051.

Allele frequency attached by ClinVar (database versions not stated): gnomAD 0.00012 and 0.00015; TOPMed 0.00017; ESP Exome Variant Server 0.00031; ExAC 0.00033; 1000 Genomes Project 30x 0.00016; 1000 Genomes Project 0.00020.
gnomAD v4.1: 281 of 1,610,968 alleles (0.017%); highest among the groups gnomAD compares: South Asian, 0.065%; 1 homozygote.

Submissions (2):

GeneDx
Classification: Likely benign. Last evaluated: 2021-10-24. Review status: criteria provided, single submitter. Criteria: GeneDx Variant Classification Process June 2021. Collection method: clinical testing. Allele origin: germline. Affected: yes.
Comment: See Variant Classification Assertion Criteria.

Practice for Gait Abnormalities, David Pomarino, Competency Network Toe Walking C/o Practice Pomarino
Classification: Likely pathogenic for Tip-toe gait. Last evaluated: 2021-10-08. Review status: criteria provided, single submitter. Criteria: Pomarino et al. (Glob Med Genet. 2023). Collection method: clinical testing. Allele origin: germline. Affected: yes.
Comment: It was found that these children show clear signs of mild neuropathy: 1. Hyperhidrosis, 2. High arches, 3. Funnel chest, 4. Toe walking. The publication is entitled “Toe Walking as a Primary Clinical Indicator of PMP22 Mutation-Associated Neuropathies in Children.”